The following is an entry in ClinVar:

NM_014339.7(IL17RA):c.*1379A>T

Gene: IL17RA (interleukin 17 receptor A; plus strand). Cytogenetic location: 22q11.1.
Variant type: single nucleotide variant.
Coding change: c.*1379A>T on transcript NM_014339.7 (MANE Select); 1379 bases downstream of the stop codon, A replaced by T.
Molecular consequence: 3 prime UTR variant.
Genome position (GRCh38, 1-based): chr22:17,111,199, A>T. VCF-style: chr22-17111199-A-T. GRCh37 (hg19) VCF-style: chr22-17592089-A-T.
Other names: c.*1379A>T (NM_001289905.2).
Identifiers: ClinVar variation 340641 (VCV000340641.5), dbSNP rs5992627, ClinGen allele CA10653154.

ClinVar aggregate classification (germline): Benign (1 of 4 stars; one submission).

Conditions:
Immunodeficiency 51 (IMD51). Also called: CANDIDIASIS, FAMILIAL, 5. Identifiers: Orphanet 1334, MedGen C4310803, MONDO:0013500, OMIM 613953.

Allele frequency attached by ClinVar (database versions not stated): gnomAD 0.00610 and 0.00655; 1000 Genomes Project 30x 0.00625; 1000 Genomes Project 0.00639; TOPMed 0.00674; gnomAD exomes 0.01190.
gnomAD v4.1: 923 of 152,408 alleles (0.61%); highest among the groups gnomAD compares: African/African-American, 2.1%; 8 homozygotes.

Submission:

Illumina Laboratory Services, Illumina
Classification: Benign for Immunodeficiency 51. Last evaluated: 2018-01-13. Review status: criteria provided, single submitter. Criteria: ICSL Variant Classification Criteria 13 December 2019. Collection method: clinical testing. Allele origin: germline.
Comment: This variant was observed in the ICSL laboratory as part of a predisposition screen in an ostensibly healthy population. It had not been previously curated by ICSL or reported in the Human Gene Mutation Database (HGMD: prior to June 1st, 2018), and was therefore a candidate for classification through an automated scoring system. Utilizing variant allele frequency, disease prevalence and penetrance estimates, and inheritance mode, an automated score was calculated to assess if this variant is too frequent to cause the disease. Based on the score and internal cut-off values, a variant classified as benign is not then subjected to further curation. The score for this variant resulted in a classification of benign for this disease.